The following is an entry in ClinVar:

NC_000015.10:g.30801393T>C

Gene: FAN1 (FANCD2 and FANCI associated nuclease 1; plus strand). Cytogenetic location: 15q13.2.
Variant type: single nucleotide variant.
Genome position: GRCh38 VCF-style: chr15-30801393-T-C. GRCh37 (hg19) VCF-style: chr15-31093596-T-C.
Identifiers: ClinVar variation 2645109 (VCV002645109.24), dbSNP rs866024789, ClinGen allele CA267530128.

ClinVar aggregate classification (germline): Benign (1 of 4 stars; one submission).

Allele frequency attached by ClinVar (database versions not stated): gnomAD 0.00360; 1000 Genomes Project 30x 0.00515.

Submission:

CeGaT Center for Human Genetics Tuebingen
Classification: Benign. Last evaluated: 2023-04-01. Review status: criteria provided, single submitter. Criteria: CeGaT Center For Human Genetics Tuebingen Variant Classification Criteria Version 2. Collection method: clinical testing. Allele origin: germline. Affected: yes. Observed: 1 variant allele.
Comment: FAN1: BS1, BS2